The following is an entry in ClinVar:

NM_000268.4(NF2):c.746G>A (p.Arg249Lys)

Gene: NF2 (NF2, moesin-ezrin-radixin like (MERLIN) tumor suppressor; plus strand). Cytogenetic location: 22q12.2.
Variant type: single nucleotide variant.
Coding change: c.746G>A on transcript NM_000268.4 (MANE Select); coding-DNA position 746, G replaced by A.
Protein change: p.Arg249Lys; replaces arginine 249 with lysine.
Molecular consequence: missense variant. On other transcripts: non-coding transcript variant (1), intron variant (1).
Genome position (GRCh38, 1-based): chr22:29,661,275, G>A. VCF-style: chr22-29661275-G-A. GRCh37 (hg19) VCF-style: chr22-30057264-G-A.
Other names: c.632G>A, p.Arg211Lys (NM_001407053.1, NM_001407056.1); c.623G>A, p.Arg208Lys (NM_001407054.1, NM_001407058.1, NM_181829.3); c.620G>A, p.Arg207Lys (NM_001407055.1, NM_181828.3); c.746G>A, p.Arg249Lys (NM_001407060.1, NM_001407066.1, NM_016418.5 and 2 more transcripts); c.497G>A, p.Arg166Lys (NM_001407063.1, NM_001407064.1, NM_181830.3 and 1 more transcripts); c.212G>A, p.Arg71Lys (NM_001407065.1); c.515G>A, p.Arg172Lys (NM_001407067.1); c.447+18990G>A (NM_181833.3); short protein forms R172K, R249K, R166K, R211K, R207K, R208K, R71K.
Identifiers: ClinVar variation 2107230 (VCV002107230.4), dbSNP rs2147009518, ClinGen allele CA411143881.

ClinVar aggregate classification (germline): Uncertain significance (1 of 4 stars; one submission).

Conditions:
Neurofibromatosis, type 2 (SWNV). Also called: NF2-Related Schwannomatosis; BILATERAL ACOUSTIC NEUROFIBROMATOSIS; SCHWANNOMATOSIS, VESTIBULAR. Identifiers: Orphanet 637, MedGen C0027832, MONDO:0007039, OMIM 101000. Disease mechanism: loss of function.

Submission:

Labcorp Genetics (formerly Invitae), Labcorp
Classification: Uncertain significance for Neurofibromatosis, type 2. Last evaluated: 2022-08-24. Review status: criteria provided, single submitter. Criteria: Invitae Variant Classification Sherloc (09022015). Collection method: clinical testing. Allele origin: germline.
Comment: This sequence change replaces arginine, which is basic and polar, with lysine, which is basic and polar, at codon 249 of the NF2 protein (p.Arg249Lys). In summary, the available evidence is currently insufficient to determine the role of this variant in disease. Therefore, it has been classified as a Variant of Uncertain Significance. Algorithms developed to predict the effect of missense changes on protein structure and function (SIFT, PolyPhen-2, Align-GVGD) all suggest that this variant is likely to be tolerated. This variant has not been reported in the literature in individuals affected with NF2-related conditions. This variant is not present in population databases (gnomAD no frequency).